The following is an entry in ClinVar:

ClinVar aggregate classification (germline): Likely benign. Review status: criteria provided, single submitter (1 of 4 stars). 2 submissions from 2 submitters: Likely benign (1). 1 of the submissions does not count toward it. Last evaluated 2024-03-31.

Conditions:
SIX3-related disorder. Also called: SIX3-related condition; SIX3-Related Disorders.
Holoprosencephaly 2 (HPE2). Identifiers: Orphanet 2162, MedGen C1834877, MONDO:0007999, OMIM 157170.

Allele frequency attached by ClinVar (database versions not stated): ExAC 0.00001; gnomAD 0.00002; gnomAD exomes 0.00002; TOPMed 0.00002.
gnomAD v4.1: 26 of 1,597,016 alleles (0.0016%); highest among the groups gnomAD compares: Non-Finnish European, 0.0022%; no homozygotes.

Submissions (2):

Labcorp Genetics (formerly Invitae), Labcorp
Classification: Likely benign for Holoprosencephaly 2. Last evaluated: 2024-03-31. Review status: criteria provided, single submitter. Criteria: Invitae Variant Classification Sherloc (09022015). Collection method: clinical testing. Allele origin: germline.

PreventionGenetics, part of Exact Sciences
Classification: Likely benign for SIX3-related condition. Last evaluated: 2019-03-25. Review status: no assertion criteria provided. Collection method: clinical testing. Allele origin: germline. Not counted in ClinVar's aggregate classification.
Comment: This variant is classified as likely benign based on ACMG/AMP sequence variant interpretation guidelines (Richards et al. 2015 PMID: 25741868, with internal and published modifications).

NM_005413.4(SIX3):c.244C>T (p.Leu82=)

Gene: SIX3 (SIX homeobox 3; plus strand). Cytogenetic location: 2p21.
Variant type: single nucleotide variant.
Coding change: c.244C>T on transcript NM_005413.4 (MANE Select); coding-DNA position 244, C replaced by T.
Protein change: p.Leu82=; no amino-acid change (leucine 82 retained).
Molecular consequence: synonymous variant.
Genome position (GRCh38, 1-based): chr2:44,942,348, C>T. VCF-style: chr2-44942348-C-T. GRCh37 (hg19) VCF-style: chr2-45169487-C-T.
Other names: c.244C>T (NM_005413.3).
Identifiers: ClinVar variation 2077905 (VCV002077905.6), dbSNP rs765191003, ClinGen allele CA1642299.
Genomic context (GRCh38, chr2:44,942,348, plus strand): 5'-GCAGGCGGCGGCGGCGGCGGCGGCTCCAGGGCCCCCCCGGAAGAGTTGTCCATGTTCCAG[C>T]TGCCCACCCTCAACTTCTCGCCGGAGCAGGTGGCCAGCGTCTGTGAGACGCTGGAGGAGA-3'
Protein context (NP_005404.1, residues 72-92): APPEELSMFQ[Leu82=]PTLNFSPEQV